The following is an entry in ClinVar:

NM_198578.4(LRRK2):c.887T>A (p.Val296Glu)

Gene: LRRK2 (leucine rich repeat kinase 2; plus strand). Cytogenetic location: 12q12.
Variant type: single nucleotide variant.
Coding change: c.887T>A on transcript NM_198578.4 (MANE Select); coding-DNA position 887, T replaced by A.
Protein change: p.Val296Glu; replaces valine 296 with glutamic acid.
Molecular consequence: missense variant.
Genome position (GRCh38, 1-based): chr12:40,249,874, T>A. VCF-style: chr12-40249874-T-A. GRCh37 (hg19) VCF-style: chr12-40643676-T-A.
Other names: short protein forms V296E.
Identifiers: ClinVar variation 1764965 (VCV001764965.2), dbSNP rs2499492710, ClinGen allele CA384407004.

ClinVar aggregate classification (germline): Uncertain significance (1 of 4 stars; one submission).

Conditions:
Inborn genetic diseases. Identifiers: MedGen C0950123, MeSH D030342.

Submission:

Ambry Genetics
Classification: Uncertain significance for Inborn genetic diseases. Last evaluated: 2021-10-05. Review status: criteria provided, single submitter. Criteria: Ambry Variant Classification Scheme 2023. Collection method: clinical testing. Allele origin: germline.
Comment: The p.V296E variant (also known as c.887T>A), located in coding exon 8 of the LRRK2 gene, results from a T to A substitution at nucleotide position 887. The valine at codon 296 is replaced by glutamic acid, an amino acid with dissimilar properties. This amino acid position is conserved. In addition, this alteration is predicted to be deleterious by in silico analysis. Since supporting evidence is limited at this time, the clinical significance of this alteration remains unclear.